The following is an entry in ClinVar:

ClinVar aggregate classification (germline): Likely benign (0 of 4 stars; one submission).

Conditions:
ZBTB40-related disorder. Also called: ZBTB40-related condition.

Allele frequency attached by ClinVar (database versions not stated): 1000 Genomes Project 0.00020; 1000 Genomes Project 30x 0.00031.
gnomAD v4.1: 169 of 1,614,038 alleles (0.01%); highest among the groups gnomAD compares: Middle Eastern, 0.12%; no homozygotes.

Submission:

PreventionGenetics, part of Exact Sciences
Classification: Likely benign for ZBTB40-related condition. Last evaluated: 2019-10-23. Review status: no assertion criteria provided. Collection method: clinical testing. Allele origin: germline.
Comment: This variant is classified as likely benign based on ACMG/AMP sequence variant interpretation guidelines (Richards et al. 2015 PMID: 25741868, with internal and published modifications).

NM_014870.4(ZBTB40):c.849C>T (p.Phe283=)

Gene: ZBTB40 (zinc finger and BTB domain containing 40; plus strand). Cytogenetic location: 1p36.12.
Variant type: single nucleotide variant.
Coding change: c.849C>T on transcript NM_014870.4 (MANE Select); coding-DNA position 849, C replaced by T.
Protein change: p.Phe283=; no amino-acid change (phenylalanine 283 retained).
Molecular consequence: synonymous variant. On other transcripts: intron variant (1).
Genome position (GRCh38, 1-based): chr1:22,501,509, C>T. VCF-style: chr1-22501509-C-T. GRCh37 (hg19) VCF-style: chr1-22828002-C-T.
Other names: c.849C>T, p.Phe283= (NM_001083621.2); c.832-4540C>T (NM_001330398.2).
Identifiers: ClinVar variation 3058003 (VCV003058003.2), dbSNP rs577900930, ClinGen allele CA675727.
Genomic context (GRCh38, chr1:22,501,509, plus strand): 5'-TGTGGTTCGCTAATCTATCTTTCTGGGTACTTTTGTTCCATAGATGATAGTGAAATGTTT[C>T]GAGGGTGAAGGAGGACATTCAGCATTCCAGAGAATCCTGGGTAAAGTAAGAGAGGAAAGC-3'
Protein context (NP_055685.3, residues 273-293): GPQKEMIVKC[Phe283=]EGEGGHSAFQ